The following is an entry in ClinVar:

ClinVar aggregate classification (germline): Uncertain significance (1 of 4 stars; one submission).

Submission:

Geisinger Autism and Developmental Medicine Institute, Geisinger Health System
Classification: Uncertain significance. Last evaluated: 2018-04-13. Review status: criteria provided, single submitter. Criteria: ACMG CNV Guidelines, 2011. Collection method: provider interpretation. Allele origin: unknown.
Comment: This region lies between LCR-E and LCR-G within the distal portion of DGS/VCFS region. This copy number gain contains a portion of BCR and six other genes, including IGLL1. This region appears to consist mostly of repetitive segments, suggesting that it is prone to expansions and contractions. The clinical significance of this copy number gain remains unclear at this time.

GRCh37/hg19 22q11.23(chr22:23605575-23984194)x5

Genes: BCR (BCR activator of RhoGEF and GTPase; plus strand), DRICH1 (aspartate rich 1; minus strand), IGLL1 (immunoglobulin lambda like polypeptide 1; minus strand). Cytogenetic location: 22q11.23.
Variant type: copy number gain.
Change: copy number 5 of chr22:23,605,575-23,984,194 (378.6 kb, GRCh37 coordinates, 1-based), cytogenetic band 22q11.23.
Identifiers: ClinVar variation 560155 (VCV000560155.3).